The following is an entry in ClinVar:

ClinVar aggregate classification (germline): Uncertain significance (1 of 4 stars; one submission).

Conditions:
Inborn genetic diseases. Identifiers: MedGen C0950123, MeSH D030342.

gnomAD v4.1: 10 of 1,614,106 alleles (0.00062%); highest among the groups gnomAD compares: South Asian, 0.0022%; 1 homozygote.

Submission:

Ambry Genetics
Classification: Uncertain significance for Inborn genetic diseases. Last evaluated: 2020-08-10. Review status: criteria provided, single submitter. Criteria: Ambry Variant Classification Scheme 2023. Collection method: clinical testing. Allele origin: germline.
Comment: The p.E1607K variant (also known as c.4819G>A), located in coding exon 35 of the SBF2 gene, results from a G to A substitution at nucleotide position 4819. The glutamic acid at codon 1607 is replaced by lysine, an amino acid with similar properties. This amino acid position is well conserved in available vertebrate species. In addition, the in silico prediction for this alteration is inconclusive. Since supporting evidence is limited at this time, the clinical significance of this alteration remains unclear.

NM_030962.4(SBF2):c.4819G>A (p.Glu1607Lys)

Genes: SBF2 (SET binding factor 2; minus strand), SBF2-AS1 (SBF2 antisense RNA 1; plus strand), LOC105369149 (uncharacterized LOC105369149; plus strand). Cytogenetic location: 11p15.4.
Variant type: single nucleotide variant.
Coding change: c.4819G>A on transcript NM_030962.4 (MANE Select); coding-DNA position 4819, G replaced by A.
Protein change: p.Glu1607Lys; replaces glutamic acid 1607 with lysine.
Molecular consequence: missense variant.
Genome position (GRCh38, 1-based): chr11:9,789,222, C>T on the plus strand (G>A on the coding strand, the complement: SBF2 is on the minus strand). VCF-style: chr11-9789222-C-T. GRCh37 (hg19) VCF-style: chr11-9810769-C-T.
Other names: c.4915G>A, p.Glu1639Lys (NM_001386339.1); c.4690G>A, p.Glu1564Lys (NM_001386342.1); short protein forms E1564K, E1607K, E1639K.
Identifiers: ClinVar variation 1743332 (VCV001743332.2), dbSNP rs1852579462, ClinGen allele CA379634095.